The following is an entry in ClinVar:

NM_145725.3(TRAF3):c.139G>A (p.Val47Met)

Gene: TRAF3 (TNF receptor associated factor 3; plus strand). Cytogenetic location: 14q32.32.
Variant type: single nucleotide variant.
Coding change: c.139G>A on transcript NM_145725.3 (MANE Select); coding-DNA position 139, G replaced by A.
Protein change: p.Val47Met; replaces valine 47 with methionine.
Molecular consequence: missense variant.
Genome position (GRCh38, 1-based): chr14:102,870,340, G>A. VCF-style: chr14-102870340-G-A. GRCh37 (hg19) VCF-style: chr14-103336677-G-A.
Other names: c.139G>A, p.Val47Met (NM_001199427.2, NM_001385142.1, NM_001385143.1 and 2 more transcripts); c.139G>A (NM_003300.3); short protein forms V47M.
Identifiers: ClinVar variation 1060945 (VCV001060945.11), dbSNP rs755721963, ClinGen allele CA7359162.

ClinVar aggregate classification (germline): Uncertain significance. Review status: criteria provided, multiple submitters, no conflicts (2 of 4 stars). 3 submissions from 3 submitters: Uncertain significance (3). Last evaluated 2024-12-17.

Conditions:
Immunodeficiency 132A. Also called: Herpes simplex encephalitis, susceptibility to, 3. Identifiers: Orphanet 1930, MedGen C3553868, MONDO:0013920, OMIM 614849.

Allele frequency attached by ClinVar (database versions not stated): ExAC 0.00001; gnomAD exomes 0.00001; gnomAD 0.00003 and 0.00004; TOPMed 0.00004.

Submissions (3):

Ambry Genetics
Classification: Uncertain significance. Last evaluated: 2024-12-17. Review status: criteria provided, single submitter. Criteria: Ambry Variant Classification Scheme 2023. Collection method: clinical testing. Allele origin: germline.

Labcorp Genetics (formerly Invitae), Labcorp
Classification: Uncertain significance for Immunodeficiency 132A. Last evaluated: 2022-06-13. Review status: criteria provided, single submitter. Criteria: Invitae Variant Classification Sherloc (09022015). Collection method: clinical testing. Allele origin: germline.
Comment: This variant is present in population databases (rs755721963, gnomAD 0.004%). In summary, the available evidence is currently insufficient to determine the role of this variant in disease. Therefore, it has been classified as a Variant of Uncertain Significance. Algorithms developed to predict the effect of missense changes on protein structure and function are either unavailable or do not agree on the potential impact of this missense change (SIFT: "Deleterious"; PolyPhen-2: "Possibly Damaging"; Align-GVGD: "Class C0"). ClinVar contains an entry for this variant (Variation ID: 1060945). This variant has not been reported in the literature in individuals affected with TRAF3-related conditions. This sequence change replaces valine, which is neutral and non-polar, with methionine, which is neutral and non-polar, at codon 47 of the TRAF3 protein (p.Val47Met).

Fulgent Genetics
Classification: Uncertain significance for Immunodeficiency 132A. Last evaluated: 2021-10-14. Review status: criteria provided, single submitter. Criteria: ACMG Guidelines, 2015. Collection method: clinical testing. Allele origin: unknown.